The following is an entry in ClinVar:

NM_001330078.2(NRXN1):c.1078G>A (p.Gly360Arg)

Gene: NRXN1 (neurexin 1; minus strand). Cytogenetic location: 2p16.3.
Variant type: single nucleotide variant.
Coding change: c.1078G>A on transcript NM_001330078.2 (MANE Select); coding-DNA position 1078, G replaced by A.
Protein change: p.Gly360Arg; replaces glycine 360 with arginine.
Molecular consequence: missense variant.
Genome position (GRCh38, 1-based): chr2:50,623,370, C>T on the plus strand (G>A on the coding strand, the complement: NRXN1 is on the minus strand). VCF-style: chr2-50623370-C-T. GRCh37 (hg19) VCF-style: chr2-50850508-C-T.
Other names: c.1177G>A (NM_001135659.1); c.1177G>A, p.Gly393Arg (NM_001135659.3); c.1078G>A, p.Gly360Arg (NM_001330077.2, NM_001330082.2, NM_001330085.2 and 3 more transcripts); c.1018G>A, p.Gly340Arg (NM_001330083.2, NM_001330084.2, NM_001330087.2 and 1 more transcripts); c.1048G>A, p.Gly350Arg (NM_001330088.2); c.1075G>A, p.Gly359Arg (NM_001330093.2); c.1066G>A, p.Gly356Arg (NM_001330094.2); short protein forms G340R, G359R, G360R, G393R, G350R, G356R.
Identifiers: ClinVar variation 1347570 (VCV001347570.7), dbSNP rs2104294419, ClinGen allele CA346822185.

ClinVar aggregate classification (germline): Uncertain significance. Review status: criteria provided, multiple submitters, no conflicts (2 of 4 stars). 2 submissions from 2 submitters: Uncertain significance (2). Last evaluated 2024-05-06.

Conditions:
Pitt-Hopkins-like syndrome 2 (PTHSL2). Identifiers: Orphanet 221150, Orphanet 600663, MedGen C3280479, MONDO:0013690, OMIM 614325.

Submissions (2):

GeneDx
Classification: Uncertain significance. Last evaluated: 2024-05-06. Review status: criteria provided, single submitter. Criteria: GeneDx Variant Classification Process June 2021. Collection method: clinical testing. Allele origin: germline. Affected: yes.
Comment: Not observed at significant frequency in large population cohorts (gnomAD); In silico analysis supports that this missense variant has a deleterious effect on protein structure/function; Has not been previously published as pathogenic or benign to our knowledge

Labcorp Genetics (formerly Invitae), Labcorp
Classification: Uncertain significance for Pitt-Hopkins-like syndrome 2. Last evaluated: 2021-09-28. Review status: criteria provided, single submitter. Criteria: Invitae Variant Classification Sherloc (09022015). Collection method: clinical testing. Allele origin: germline.
Comment: In summary, the available evidence is currently insufficient to determine the role of this variant in disease. Therefore, it has been classified as a Variant of Uncertain Significance. Algorithms developed to predict the effect of missense changes on protein structure and function are either unavailable or do not agree on the potential impact of this missense change (SIFT: "Tolerated"; PolyPhen-2: "Probably Damaging"; Align-GVGD: "Class C0"). This sequence change replaces glycine with arginine at codon 393 of the NRXN1 protein (p.Gly393Arg). The glycine residue is highly conserved and there is a moderate physicochemical difference between glycine and arginine. This variant is not present in population databases (ExAC no frequency). This variant has not been reported in the literature in individuals with NRXN1-related conditions.